The following is an entry in ClinVar:

ClinVar aggregate classification (germline): Uncertain significance (1 of 4 stars; one submission).

Submission:

Ambry Genetics
Classification: Uncertain significance. Last evaluated: 2025-02-01. Review status: criteria provided, single submitter. Criteria: Ambry Variant Classification Scheme 2023. Collection method: clinical testing. Allele origin: germline.
Comment: The p.L248V variant (also known as c.742C>G), located in coding exon 1 of the CDK12 gene, results from a C to G substitution at nucleotide position 742. The leucine at codon 248 is replaced by valine, an amino acid with highly similar properties. This amino acid position is conserved. In addition, this alteration is predicted to be tolerated by in silico analysis. Based on the available evidence, the clinical significance of this variant remains unclear.

NM_016507.4(CDK12):c.742C>G (p.Leu248Val)

Genes: CDK12 (cyclin dependent kinase 12; plus strand), LOC126862553 (CDK7 strongly-dependent group 2 enhancer GRCh37_chr17:37618166-37619365; plus strand). Cytogenetic location: 17q12.
Variant type: single nucleotide variant.
Coding change: c.742C>G on transcript NM_016507.4 (MANE Select); coding-DNA position 742, C replaced by G.
Protein change: p.Leu248Val; replaces leucine 248 with valine.
Molecular consequence: missense variant.
Genome position (GRCh38, 1-based): chr17:39,462,813, C>G. VCF-style: chr17-39462813-C-G. GRCh37 (hg19) VCF-style: chr17-37619066-C-G.
Other names: c.742C>G, p.Leu248Val (NM_015083.4); short protein forms L248V.
Identifiers: ClinVar variation 3830585 (VCV003830585.1).
Genomic context (GRCh38, chr17:39,462,813, plus strand): 5'-TCTGACAGCTCCAAACAAGATGATAGCCCCTCGGGAGCTTCTTATGGCCAAGATTATGAC[C>G]TTAGTCCCTCACGATCTCATACCTCGAGCAATTATGACTCCTACAAGAAAAGTCCTGGAA-3'
Protein context (NP_057591.2, residues 238-258): SGASYGQDYD[Leu248Val]SPSRSHTSSN